The following is an entry in ClinVar:

ClinVar aggregate classification (germline): Pathogenic. Review status: criteria provided, multiple submitters, no conflicts (2 of 4 stars). 11 submissions from 10 submitters: Pathogenic (11). Last evaluated 2025-10-09.

Conditions:
BRPF1-related disorder. Also called: BRPF1-related condition.
Sudden unexplained death in childhood. Identifiers: MedGen C3827273, MONDO:1010117.
Inborn genetic diseases. Identifiers: MedGen C0950123, MeSH D030342.
Intellectual developmental disorder with dysmorphic facies and ptosis (IDDDFP). Identifiers: Orphanet 698090, MedGen C4310617, MONDO:0015022, OMIM 617333.
Global developmental delay (DD). Also called: Cognitive delay. Identifiers: MedGen C0557874, HP:0001263. Disease mechanism: loss of function.

Allele frequency attached by ClinVar (database versions not stated): gnomAD exomes below 0.00001.

Submissions (11):

Ambry Genetics
Classification: Pathogenic for Inborn genetic diseases. Last evaluated: 2025-10-09. Review status: criteria provided, single submitter. Criteria: Ambry Variant Classification Scheme 2023. Collection method: clinical testing. Allele origin: germline.
Comment: The c.1182_1183delAG (p.A396Lfs*69) alteration, located in exon 3 (coding exon 2) of the BRPF1 gene, consists of a deletion of 2 nucleotides from position 1182 to 1183, causing a translational frameshift with a predicted alternate stop codon after 69 amino acids. This alteration is expected to result in loss of function by premature protein truncation or nonsense-mediated mRNA decay. This variant was not reported in population-based cohorts in the Genome Aggregation Database (gnomAD). This variant was determined to be de novo in at least one individual with features consistent with BRPF1-related neurodevelopmental disorder (Keywan, 2020; Colson, 2025). Based on the available evidence, this alteration is classified as pathogenic.

3billion
Classification: Pathogenic for Intellectual developmental disorder with dysmorphic facies and ptosis. Last evaluated: 2025-03-17. Review status: criteria provided, single submitter. Criteria: ACMG Guidelines, 2015. Collection method: clinical testing. Allele origin: germline. Affected: yes.
Comment: The variant is observed at an extremely low frequency in the gnomAD v4.1.0 dataset (total allele frequency: <0.001%). Predicted Consequence/Location: Frameshift: predicted to result in a loss or disruption of normal protein function through nonsense-mediated decay (NMD) or protein truncation. Multiple pathogenic variants are reported downstream of the variant. The variant has been previously reported as de novo in a similarly affected individual (PMID: 32652122). The variant has been reported at least twice as pathogenic with clinical assertions and evidence for the classification (ClinVar ID: VCV000810669 / PMID: 32652122). Therefore, this variant is classified as Pathogenic according to the recommendation of ACMG/AMP guideline.

Blueprint Genetics
Classification: Pathogenic for BRPF1-related disorders. Last evaluated: 2024-06-07. Review status: criteria provided, single submitter. Criteria: ACMG Guidelines, 2015. Collection method: clinical testing. Allele origin: germline. Affected: yes. Observed: 2 variant alleles.

Daryl Scott Lab, Baylor College of Medicine
Classification: Pathogenic for Intellectual developmental disorder with dysmorphic facies and ptosis. Last evaluated: 2024-01-01. Review status: criteria provided, single submitter. Criteria: ACMG Guidelines, 2015. Collection method: clinical testing. Allele origin: de novo. Affected: yes. Observed: 1 heterozygote.
Comment: PVS1, PS2, PM2

GeneDx
Classification: Pathogenic. Last evaluated: 2023-08-21. Review status: criteria provided, single submitter. Criteria: GeneDx Variant Classification Process June 2021. Collection method: clinical testing. Allele origin: germline. Affected: yes.
Comment: Frameshift variant predicted to result in protein truncation or nonsense mediated decay in a gene for which loss-of-function is a known mechanism of disease; Not observed at significant frequency in large population cohorts (gnomAD); This variant is associated with the following publications: (PMID: 32652122, 35027292, 33004838)

CeGaT Center for Human Genetics Tuebingen
Classification: Pathogenic. Last evaluated: 2023-08-01. Review status: criteria provided, single submitter. Criteria: CeGaT Center For Human Genetics Tuebingen Variant Classification Criteria Version 2. Collection method: clinical testing. Allele origin: germline. Affected: yes. Observed: 2 variant alleles.
Comment: BRPF1: PVS1, PS2, PM2, PS4:Moderate

Genetics and Molecular Pathology, SA Pathology
Classification: Pathogenic for Intellectual developmental disorder with dysmorphic facies and ptosis. Last evaluated: 2021-10-20. Review status: criteria provided, single submitter. Criteria: ACMG Guidelines, 2015. Collection method: clinical testing. Allele origin: germline. Affected: yes.

Robert's Program, Boston Children's Hospital
Classification: Pathogenic for Sudden unexplained death in childhood. Last evaluated: 2021-10-01. Review status: criteria provided, single submitter. Criteria: ACMG Guidelines, 2015. Collection method: research. Allele origin: germline. Affected: yes.
Comment: We classify this variant as pathogenic using the following ACMG/AMP criteria: PVS1, PS2, PM2

AiLife Diagnostics
Classification: Pathogenic. Last evaluated: 2021-06-03. Review status: criteria provided, single submitter. Criteria: ACMG Guidelines, 2015. Collection method: clinical testing. Allele origin: de novo. Affected: yes. Observed: 1 variant allele.

Robert's Program, Boston Children's Hospital
Classification: Pathogenic for Intellectual developmental disorder with dysmorphic facies and ptosis. Last evaluated: 2020-01-17. Review status: criteria provided, single submitter. Criteria: ACMG Guidelines, 2015. Collection method: research. Allele origin: de novo. Inheritance: Sporadic. Affected: yes.
Comment: IDDDFP is caused by loss of function BRPF1 variants. We classify this variant as pathogenic using the following ACMG/AMP criteria: PVS1, PM2, and PS2.

Equipe Genetique des Anomalies du Developpement, Université de Bourgogne
Classification: Pathogenic for Global developmental delay. Review status: criteria provided, single submitter. Criteria: ACMG Guidelines, 2015. Collection method: clinical testing. Allele origin: de novo. Affected: yes.

Literature cited by the submitters: PubMed 32652122 (cited by 3 submitters); PubMed 39837771 (cited by Ambry Genetics).

NM_001003694.2(BRPF1):c.1182_1183del (p.Ala396fs)

Gene: BRPF1 (bromodomain and PHD finger containing 1; plus strand). Cytogenetic location: 3p25.3.
Variant type: Deletion.
Coding change: c.1182_1183del on transcript NM_001003694.2 (MANE Select); coding-DNA positions 1182 to 1183, 2 bases deleted (AG; older notation c.1182_1183delAG).
Protein change: p.Ala396fs; shifts the reading frame from alanine 396.
Molecular consequence: frameshift variant. On other transcripts: non-coding transcript variant (1).
Genome position (GRCh38, 1-based): chr3:9,739,581-9,739,582, AG deleted. VCF-style (leftmost placement, unchanged base first): chr3-9739580-CAG-C. GRCh37 (hg19) VCF-style: chr3-9781264-CAG-C.
Other names: c.1182_1183del, p.Ala396fs (NM_001319049.2, NM_001319050.2, NM_004634.3); c.1182_1183del (NM_001003694.1); c.1182_1183delAG (NM_001003694.2); short protein forms A396fs.
Identifiers: ClinVar variation 810669 (VCV000810669.45), dbSNP rs1575155995, ClinGen allele CA915941874.